The following is an entry in ClinVar:

ClinVar aggregate classification (germline): Likely pathogenic (1 of 4 stars; one submission).

Conditions:
Familial dysautonomia. Also called: HSAN III; FD. Identifiers: Orphanet 1764, MedGen C0013364, MONDO:0009131, OMIM 223900. Disease mechanism: loss of function.

Submission:

Natera, Inc.
Classification: Likely pathogenic for Familial dysautonomia. Last evaluated: 2024-03-06. Review status: criteria provided, single submitter. Criteria: Natera Variant Classification Schema (03/2026). Collection method: clinical testing. Allele origin: germline.
Comment: The c.3297_3301delTAACA variant in ELP1 is a frameshift variant predicted to shift the reading frame and introduce a stop codon. This variant is expected to result in nonsense mediated decay, truncation, or a dysfunctional protein product. This variant is rare in the general population with a frequency below the threshold expected for the associated phenotype(s). Given the available evidence, this variant is classified as Likely Pathogenic.

NM_003640.5(ELP1):c.3297_3301del (p.Tyr1099_Arg1101delinsTer)

Gene: ELP1 (elongator acetyltransferase complex subunit 1; minus strand). Cytogenetic location: 9q31.3.
Variant type: Deletion.
Coding change: c.3297_3301del on transcript NM_003640.5 (MANE Select); coding-DNA positions 3297 to 3301, 5 bases deleted (TAACA; older notation c.3297_3301delTAACA).
Protein change: p.Tyr1099_Arg1101delinsTer.
Molecular consequence: nonsense.
Genome position (GRCh38, 1-based): chr9:108,881,750-108,881,754, TGTTA deleted on the plus strand (TAACA on the coding strand, the reverse complement: ELP1 is on the minus strand); deleting any 5 consecutive bases within chr9:108,881,750-108,881,755 gives the same sequence; the c. name uses the placement nearest the transcript's 3' end. VCF-style (leftmost placement, unchanged base first): chr9-108881749-CTGTTA-C. GRCh37 (hg19) VCF-style: chr9-111644029-CTGTTA-C.
Other names: c.2955_2959del, p.Tyr985_Arg987delinsTer (NM_001318360.2); c.2250_2254del, p.Tyr750_Arg752delinsTer (NM_001330749.2).
Identifiers: ClinVar variation 4815223 (VCV004815223.1).